The following is an entry in ClinVar:

NM_001032382.2(PQBP1):c.102C>T (p.Asp34=)

Gene: PQBP1 (polyglutamine binding protein 1; plus strand). Cytogenetic location: Xp11.23.
Variant type: single nucleotide variant.
Coding change: c.102C>T on transcript NM_001032382.2 (MANE Select); coding-DNA position 102, C replaced by T.
Protein change: p.Asp34=; no amino-acid change (aspartic acid 34 retained).
Molecular consequence: synonymous variant.
Genome position (GRCh38, 1-based): chrX:48,901,224, C>T. VCF-style: chrX-48901224-C-T. GRCh37 (hg19) VCF-style: chrX-48758501-C-T.
Other names: c.102C>T, p.Asp34= (NM_001032381.2, NM_001032383.2, NM_001032384.1 and 5 more transcripts).
Identifiers: ClinVar variation 914802 (VCV000914802.6), dbSNP rs143156492, ClinGen allele CA10405853.

ClinVar aggregate classification (germline): Benign/Likely benign. Review status: criteria provided, multiple submitters, no conflicts (2 of 4 stars). 2 submissions from 2 submitters: Benign (1); Likely benign (1). Last evaluated 2025-11-15.

Conditions:
Renpenning syndrome. Also called: Mental retardation, X-linked Renpenning type; X-linked mental retardation with spastic diplegia; X-linked mental retardation syndromic 3; Sutherland-Haan syndrome; MENTAL RETARDATION, X-LINKED 55; MENTAL RETARDATION, X-LINKED, SYNDROMIC 8. Identifiers: Orphanet 3242, MedGen C0796135, MONDO:0010653, OMIM 309500.

Allele frequency attached by ClinVar (database versions not stated): gnomAD 0.00001; TOPMed 0.00001; gnomAD exomes 0.00002; ExAC 0.00003; ESP Exome Variant Server 0.00009.
gnomAD v4.1: 24 of 1,208,060 alleles (0.002%); highest among the groups gnomAD compares: Non-Finnish European, 0.0025%; no homozygotes.

Submissions (2):

Labcorp Genetics (formerly Invitae), Labcorp
Classification: Likely benign. Last evaluated: 2025-11-15. Review status: criteria provided, single submitter. Criteria: Invitae Variant Classification Sherloc (09022015). Collection method: clinical testing. Allele origin: germline.

Illumina Laboratory Services, Illumina
Classification: Benign for Renpenning syndrome. Last evaluated: 2018-01-13. Review status: criteria provided, single submitter. Criteria: ICSL Variant Classification Criteria 13 December 2019. Collection method: clinical testing. Allele origin: germline.
Comment: This variant was observed in the ICSL laboratory as part of a predisposition screen in an ostensibly healthy population. It had not been previously curated by ICSL or reported in the Human Gene Mutation Database (HGMD: prior to June 1st, 2018), and was therefore a candidate for classification through an automated scoring system. Utilizing variant allele frequency, disease prevalence and penetrance estimates, and inheritance mode, an automated score was calculated to assess if this variant is too frequent to cause the disease. Based on the score and internal cut-off values, a variant classified as benign is not then subjected to further curation. The score for this variant resulted in a classification of benign for this disease.